The following is an entry in ClinVar:

ClinVar aggregate classification (germline): Uncertain significance (1 of 4 stars; one submission).

Conditions:
Spinocerebellar ataxia 27B, late-onset (SCA27B). Also called: GAA-FGF14-Related Ataxia. Identifiers: Orphanet 675216, MedGen C5774278, MONDO:0859340, OMIM 620174.

Submission:

3billion
Classification: Uncertain significance for Spinocerebellar ataxia 27B, late-onset. Last evaluated: 2025-02-04. Review status: criteria provided, single submitter. Criteria: ACMG Guidelines, 2015. Collection method: clinical testing. Allele origin: germline. Affected: yes.
Comment: The variant is not observed in the gnomAD v4.1.0 dataset. Predicted Consequence/Location: Missense variant. The majority of the known disease-causing variants of this gene are variants expected to result in premature termination of the protein. Therefore, this variant is classified as VUS according to the recommendation of ACMG/AMP guideline.

NM_175929.3(FGF14):c.208+180774G>A

Gene: FGF14 (fibroblast growth factor 14; minus strand). Cytogenetic location: 13q33.1.
Variant type: single nucleotide variant.
Coding change: c.208+180774G>A on transcript NM_175929.3 (MANE Plus Clinical); 180774 bases into the intron after coding-DNA position 208, G replaced by A.
Molecular consequence: intron variant. On other transcripts: missense variant (3).
Genome position (GRCh38, 1-based): chr13:102,220,697, C>T on the plus strand (G>A on the coding strand, the complement: FGF14 is on the minus strand). VCF-style: chr13-102220697-C-T. GRCh37 (hg19) VCF-style: chr13-102873047-C-T.
Other names: c.13G>A, p.Asp5Asn (NM_001321933.1, NM_001321938.2, NM_001321940.1); c.52+180774G>A (NM_001321947.2); c.91+180774G>A (NM_001379342.1, NM_001321948.2, NM_001321945.2); c.-60+145748G>A (NM_001321946.2, NM_001321949.1); c.208+180774G>A (NM_001321939.2, NM_001321937.2); c.7+73277G>A (NM_001321941.2); c.-323-27334G>A (NM_001321944.1, NM_001321936.1, NM_001321932.1); c.-170-14720G>A (NM_001321943.1); and 4 more; short protein forms D5N.
Identifiers: ClinVar variation 4291864 (VCV004291864.1).
Genomic context (GRCh38, chr13:102,220,697, plus strand): 5'-ACAGAGTTTTTCAAGGCATTATATACATTTTTCAAAAGCACATTTTCTAGGTTGCTGTAC[C>T]TTCTCTTGGCATCAAGAGTCACTTCACATGATGTCTGCAAGTTGCATTTACTAATGTGCT-3'